The following is an entry in ClinVar:

ClinVar aggregate classification (germline): Conflicting classifications of pathogenicity. Review status: criteria provided, conflicting classifications (1 of 4 stars). 7 submissions from 3 submitters: Uncertain significance (5); Benign (2). Last evaluated 2023-07-01.

Conditions:
Cardiovascular phenotype. Identifiers: MedGen CN230736.
Dilated cardiomyopathy 1G (CMD1G). Identifiers: Orphanet 154, MedGen C1858763, MONDO:0011400, OMIM 604145.
Tibial muscular dystrophy (TMD). Also called: Udd Distal Myopathy – Tibial Muscular Dystrophy; UDD MYOPATHY; Tibial muscular dystrophy, tardive. Identifiers: Orphanet 609, MedGen C1838244, MONDO:0010870, OMIM 600334.
Early-onset myopathy with fatal cardiomyopathy (CMYO5). Also called: CONGENITAL MYOPATHY 5 WITH CARDIOMYOPATHY; Salih Myopathy. Identifiers: Orphanet 289377, MedGen C2673677, MONDO:0012714, OMIM 611705. Disease mechanism: loss of function.
Myopathy, myofibrillar, 9, with early respiratory failure (MFM9). Also called: MYOPATHY, PROXIMAL, WITH EARLY RESPIRATORY MUSCLE INVOLVEMENT; Hereditary myopathy with early respiratory failure; Myopathy, distal, with early respiratory failure, autosomal dominant; EDSTROM MYOPATHY. Identifiers: Orphanet 178464, Orphanet 34521, MedGen C1863599, MONDO:0011362, OMIM 603689.
Autosomal recessive limb-girdle muscular dystrophy type 2J (LGMDR10). Also called: Limb-girdle muscular dystrophy, type 2J; MUSCULAR DYSTROPHY, LIMB-GIRDLE, AUTOSOMAL RECESSIVE 10. Identifiers: Orphanet 140922, MedGen C1837342, MONDO:0012127, OMIM 608807.

Allele frequency attached by ClinVar (database versions not stated): gnomAD 0.00001 and 0.00002; gnomAD exomes 0.00001; TOPMed 0.00001; ExAC 0.00006.
gnomAD v4.1: 11 of 1,595,720 alleles (0.00069%); highest among the groups gnomAD compares: African/African-American, 0.0027%; no homozygotes.

Submissions (7):

CeGaT Center for Human Genetics Tuebingen
Classification: Uncertain significance. Last evaluated: 2023-07-01. Review status: criteria provided, single submitter. Criteria: CeGaT Center For Human Genetics Tuebingen Variant Classification Criteria Version 2. Collection method: clinical testing. Allele origin: germline. Affected: yes. Observed: 1 variant allele.
Comment: TTN: PM2, BP4

Ambry Genetics
Classification: Uncertain significance for Cardiovascular phenotype. Last evaluated: 2020-01-06. Review status: criteria provided, single submitter. Criteria: Ambry Variant Classification Scheme 2023. Collection method: clinical testing. Allele origin: germline.
Comment: The p.R4442C variant (also known as c.13324C>T), located in coding exon 46 of the TTN gene, results from a C to T substitution at nucleotide position 13324. The arginine at codon 4442 is replaced by cysteine, an amino acid with highly dissimilar properties. This amino acid position is poorly conserved in available vertebrate species. In addition, this alteration is predicted to be tolerated by in silico analysis. Since supporting evidence is limited at this time, the clinical significance of this alteration remains unclear.

Illumina Laboratory Services, Illumina
Classification: Uncertain significance for Autosomal recessive limb-girdle muscular dystrophy type 2J. Last evaluated: 2018-01-12. Review status: criteria provided, single submitter. Criteria: ICSL Variant Classification Criteria 13 December 2019. Collection method: clinical testing. Allele origin: germline.

Illumina Laboratory Services, Illumina
Classification: Benign for Tibial muscular dystrophy. Last evaluated: 2018-01-12. Review status: criteria provided, single submitter. Criteria: ICSL Variant Classification Criteria 13 December 2019. Collection method: clinical testing. Allele origin: germline.
Comment: This variant was observed in the ICSL laboratory as part of a predisposition screen in an ostensibly healthy population. It had not been previously curated by ICSL or reported in the Human Gene Mutation Database (HGMD: prior to June 1st, 2018), and was therefore a candidate for classification through an automated scoring system. Utilizing variant allele frequency, disease prevalence and penetrance estimates, and inheritance mode, an automated score was calculated to assess if this variant is too frequent to cause the disease. Based on the score and internal cut-off values, a variant classified as benign is not then subjected to further curation. The score for this variant resulted in a classification of benign for this disease.

Illumina Laboratory Services, Illumina
Classification: Uncertain significance for Dilated cardiomyopathy 1G. Last evaluated: 2018-01-12. Review status: criteria provided, single submitter. Criteria: ICSL Variant Classification Criteria 13 December 2019. Collection method: clinical testing. Allele origin: germline.

Illumina Laboratory Services, Illumina
Classification: Benign for Myopathy, myofibrillar, 9, with early respiratory failure. Last evaluated: 2018-01-12. Review status: criteria provided, single submitter. Criteria: ICSL Variant Classification Criteria 13 December 2019. Collection method: clinical testing. Allele origin: germline.
Comment: the same text as in the submission from Illumina Laboratory Services, Illumina above.

Illumina Laboratory Services, Illumina
Classification: Uncertain significance for Early-onset myopathy with fatal cardiomyopathy. Last evaluated: 2018-01-12. Review status: criteria provided, single submitter. Criteria: ICSL Variant Classification Criteria 13 December 2019. Collection method: clinical testing. Allele origin: germline.

NM_001267550.2(TTN):c.40519C>T (p.Arg13507Cys)

Gene: TTN (titin; minus strand). Cytogenetic location: 2q31.2.
Variant type: single nucleotide variant.
Coding change: c.40519C>T on transcript NM_001267550.2 (MANE Select); coding-DNA position 40519, C replaced by T.
Protein change: p.Arg13507Cys; replaces arginine 13507 with cysteine.
Molecular consequence: missense variant.
Genome position (GRCh38, 1-based): chr2:178,642,276, G>A on the plus strand (C>T on the coding strand, the complement: TTN is on the minus strand). VCF-style: chr2-178642276-G-A. GRCh37 (hg19) VCF-style: chr2-179507003-G-A.
Other names: c.35596C>T, p.Arg11866Cys (NM_001256850.1); c.13324C>T, p.Arg4442Cys (NM_003319.4); c.32815C>T, p.Arg10939Cys (NM_133378.4); c.13699C>T, p.Arg4567Cys (NM_133432.3); c.13900C>T, p.Arg4634Cys (NM_133437.4); short protein forms R4442C, R4634C, R10939C, R11866C, R13507C, R4567C.
Identifiers: ClinVar variation 892693 (VCV000892693.31), dbSNP rs528749203, ClinGen allele CA1996467.